The following is an entry in ClinVar:

NM_006767.4(LZTR1):c.1232T>A (p.Ile411Asn)

Gene: LZTR1 (leucine zipper like post translational regulator 1; plus strand). Cytogenetic location: 22q11.21.
Variant type: single nucleotide variant.
Coding change: c.1232T>A on transcript NM_006767.4 (MANE Select); coding-DNA position 1232, T replaced by A.
Protein change: p.Ile411Asn; replaces isoleucine 411 with asparagine.
Molecular consequence: missense variant.
Genome position (GRCh38, 1-based): chr22:20,992,876, T>A. VCF-style: chr22-20992876-T-A. GRCh37 (hg19) VCF-style: chr22-21347165-T-A.
Other names: short protein forms I411N.
Identifiers: ClinVar variation 3238038 (VCV003238038.1), dbSNP rs2518618919.

ClinVar aggregate classification (germline): Uncertain significance (1 of 4 stars; one submission).

Conditions:
Hereditary cancer-predisposing syndrome. Also called: Neoplastic Syndromes, Hereditary; Tumor predisposition; Hereditary neoplastic syndrome; Hereditary Cancer Syndrome. Identifiers: Orphanet 140162, MedGen C0027672, MeSH D009386, MONDO:0015356.
Cardiovascular phenotype. Identifiers: MedGen CN230736.

Submission:

Ambry Genetics
Classification: Uncertain significance for Cardiovascular phenotype; Hereditary cancer-predisposing syndrome. Last evaluated: 2023-12-18. Review status: criteria provided, single submitter. Criteria: Ambry Variant Classification Scheme 2023. Collection method: clinical testing. Allele origin: germline.
Comment: The p.I411N variant (also known as c.1232T>A), located in coding exon 11 of the LZTR1 gene, results from a T to A substitution at nucleotide position 1232. The isoleucine at codon 411 is replaced by asparagine, an amino acid with dissimilar properties. This amino acid position is conserved. In addition, this alteration is predicted to be tolerated by in silico analysis. Since supporting evidence is limited at this time, the clinical significance of this alteration remains unclear.